The following is an entry in ClinVar:

ClinVar aggregate classification (germline): Uncertain significance (1 of 4 stars; one submission).

gnomAD v4.1: 3 of 1,608,632 alleles (0.00019%); highest among the groups gnomAD compares: Non-Finnish European, 0.00026%; no homozygotes.

Submission:

GeneDx
Classification: Uncertain significance. Last evaluated: 2025-06-10. Review status: criteria provided, single submitter. Criteria: GeneDx Variant Classification Process June 2021. Collection method: clinical testing. Allele origin: germline. Affected: yes.
Comment: Not observed at significant frequency in large population cohorts (gnomAD); In silico analysis suggests that this missense variant does not alter protein structure/function; Has not been previously published as pathogenic or benign to our knowledge

NM_018896.5(CACNA1G):c.6066G>T (p.Gln2022His)

Gene: CACNA1G (calcium voltage-gated channel subunit alpha1 G; plus strand). Cytogenetic location: 17q21.33.
Variant type: single nucleotide variant.
Coding change: c.6066G>T on transcript NM_018896.5 (MANE Select); coding-DNA position 6066, G replaced by T.
Protein change: p.Gln2022His; replaces glutamine 2022 with histidine.
Molecular consequence: missense variant. On other transcripts: non-coding transcript variant (5).
Genome position (GRCh38, 1-based): chr17:50,623,912, G>T. VCF-style: chr17-50623912-G-T. GRCh37 (hg19) VCF-style: chr17-48701273-G-T.
Other names: c.5877G>T, p.Gln1959His (NM_001256324.2); c.5808G>T, p.Gln1936His (NM_001256325.2); c.5796G>T, p.Gln1932His (NM_001256326.2); c.5766G>T, p.Gln1922His (NM_001256327.2); c.5712G>T, p.Gln1904His (NM_001256328.2); c.5685G>T, p.Gln1895His (NM_001256329.2, NM_198376.3, NM_198387.3); c.5652G>T, p.Gln1884His (NM_001256330.2); c.5631G>T, p.Gln1877His (NM_001256331.2); and 15 more; short protein forms Q1872H, Q1877H, Q1884H, Q1888H, Q1891H, Q1893H, Q1895H, Q1902H.
Identifiers: ClinVar variation 4537614 (VCV004537614.1).